The following is an entry in ClinVar:

ClinVar aggregate classification (germline): Uncertain significance. Review status: criteria provided, multiple submitters, no conflicts (2 of 4 stars). 2 submissions from 2 submitters: Uncertain significance (2). Last evaluated 2025-09-20.

Conditions:
Hereditary cancer-predisposing syndrome. Also called: Neoplastic Syndromes, Hereditary; Tumor predisposition; Hereditary Cancer Syndrome; Hereditary neoplastic syndrome. Identifiers: Orphanet 140162, MedGen C0027672, MeSH D009386, MONDO:0015356.
Gorlin syndrome. Also called: Nevoid Basal Cell Carcinoma Syndrome; Basal cell nevus syndrome. Identifiers: Orphanet 377, MedGen C0004779, MONDO:0007187.

Allele frequency attached by ClinVar (database versions not stated): gnomAD exomes below 0.00001.
gnomAD v4.1: 1 of 1,614,070 alleles (0.000062%); highest among the groups gnomAD compares: Non-Finnish European, 0.000085%; no homozygotes.

Submissions (2):

Ambry Genetics
Classification: Uncertain significance for Hereditary cancer-predisposing syndrome. Last evaluated: 2025-09-20. Review status: criteria provided, single submitter. Criteria: Ambry Variant Classification Scheme 2023. Collection method: clinical testing. Allele origin: germline.
Comment: The p.Q338R variant (also known as c.1013A>G), located in coding exon 7 of the PTCH1 gene, results from an A to G substitution at nucleotide position 1013. The glutamine at codon 338 is replaced by arginine, an amino acid with highly similar properties. This amino acid position is highly conserved in available vertebrate species. In addition, this alteration is predicted to be deleterious by in silico analysis. Since supporting evidence is limited at this time, the clinical significance of this alteration remains unclear.

Labcorp Genetics (formerly Invitae), Labcorp
Classification: Uncertain significance for Gorlin syndrome. Last evaluated: 2024-11-18. Review status: criteria provided, single submitter. Criteria: Invitae Variant Classification Sherloc (09022015). Collection method: clinical testing. Allele origin: germline.
Comment: This sequence change replaces glutamine, which is neutral and polar, with arginine, which is basic and polar, at codon 338 of the PTCH1 protein (p.Gln338Arg). This variant is not present in population databases (gnomAD no frequency). This variant has not been reported in the literature in individuals affected with PTCH1-related conditions. ClinVar contains an entry for this variant (Variation ID: 1735837). Invitae Evidence Modeling of protein sequence and biophysical properties (such as structural, functional, and spatial information, amino acid conservation, physicochemical variation, residue mobility, and thermodynamic stability) has been performed for this missense variant. However, the output from this modeling did not meet the statistical confidence thresholds required to predict the impact of this variant on PTCH1 protein function. In summary, the available evidence is currently insufficient to determine the role of this variant in disease. Therefore, it has been classified as a Variant of Uncertain Significance.

NM_000264.5(PTCH1):c.1013A>G (p.Gln338Arg)

Gene: PTCH1 (patched 1; minus strand). Cytogenetic location: 9q22.32.
Variant type: single nucleotide variant.
Coding change: c.1013A>G on transcript NM_000264.5 (MANE Select); coding-DNA position 1013, A replaced by G.
Protein change: p.Gln338Arg; replaces glutamine 338 with arginine.
Molecular consequence: missense variant. On other transcripts: non-coding transcript variant (1).
Genome position (GRCh38, 1-based): chr9:95,480,023, T>C on the plus strand (A>G on the coding strand, the complement: PTCH1 is on the minus strand). VCF-style: chr9-95480023-T-C. GRCh37 (hg19) VCF-style: chr9-98242305-T-C.
Other names: c.815A>G, p.Gln272Arg (NM_001083602.3); c.1010A>G, p.Gln337Arg (NM_001083603.3); c.560A>G, p.Gln187Arg (NM_001083604.3, NM_001083605.3, NM_001083606.3 and 1 more transcripts); c.1013A>G, p.Gln338Arg (NM_001354918.2); short protein forms Q337R, Q338R, Q272R, Q187R.
Identifiers: ClinVar variation 1735837 (VCV001735837.8), dbSNP rs2118391520, ClinGen allele CA374119669.
Genomic context (GRCh38, chr9:95,480,023, plus strand): 5'-GCTTACCTGACGAGTTTTCCAGTGCTGTTCTTGACTGTGCCACCCACAATCAACTCCTCC[T>C]GCCAGTGCATATACTTTCTGGATAAGCCATGACATCCACCATTCAAAACAAGGGCCATAT-3'
Protein context (NP_000255.2, residues 328-348): HGLSRKYMHW[Gln338Arg]EELIVGGTVK